The following is an entry in ClinVar:

ClinVar aggregate classification (germline): Uncertain significance (1 of 4 stars; one submission).

Allele frequency attached by ClinVar (database versions not stated): gnomAD exomes 0.00001; TOPMed 0.00001; ESP Exome Variant Server 0.00008; ExAC 0.00001; gnomAD 0.00001.
gnomAD v4.1: 4 of 1,613,966 alleles (0.00025%); highest among the groups gnomAD compares: Non-Finnish European, 0.00034%; no homozygotes.

Submission:

Labcorp Genetics (formerly Invitae), Labcorp
Classification: Uncertain significance. Last evaluated: 2021-12-24. Review status: criteria provided, single submitter. Criteria: Invitae Variant Classification Sherloc (09022015). Collection method: clinical testing. Allele origin: germline.
Comment: This sequence change replaces phenylalanine, which is neutral and non-polar, with serine, which is neutral and polar, at codon 1312 of the FN1 protein (p.Phe1312Ser). This variant is not present in population databases (gnomAD no frequency). This variant has not been reported in the literature in individuals affected with FN1-related conditions. Algorithms developed to predict the effect of missense changes on protein structure and function are either unavailable or do not agree on the potential impact of this missense change (SIFT: "Not Available"; PolyPhen-2: "Probably Damaging"; Align-GVGD: "Not Available"). In summary, the available evidence is currently insufficient to determine the role of this variant in disease. Therefore, it has been classified as a Variant of Uncertain Significance.

NM_212482.4(FN1):c.3935T>C (p.Phe1312Ser)

Gene: FN1 (fibronectin 1; minus strand). Cytogenetic location: 2q35.
Variant type: single nucleotide variant.
Coding change: c.3935T>C on transcript NM_212482.4 (MANE Select); coding-DNA position 3935, T replaced by C.
Protein change: p.Phe1312Ser; replaces phenylalanine 1312 with serine.
Molecular consequence: missense variant. On other transcripts: intron variant (10).
Genome position (GRCh38, 1-based): chr2:215,393,065, A>G on the plus strand (T>C on the coding strand, the complement: FN1 is on the minus strand). VCF-style: chr2-215393065-A-G. GRCh37 (hg19) VCF-style: chr2-216257788-A-G.
Other names: c.3935T>C, p.Phe1312Ser (NM_001306129.2, NM_001306130.2, NM_001365517.2 and 3 more transcripts); c.3797-1251T>C (NM_212474.3, NM_001306132.2, NM_001365523.2 and 7 more transcripts); short protein forms F1312S.
Identifiers: ClinVar variation 1988363 (VCV001988363.4), dbSNP rs372287853, ClinGen allele CA2094573.
Genomic context (GRCh38, chr2:215,393,065, plus strand): 5'-ATGCCCGGCTCCAGCCCTGTGACTGTGTAGTATCCTACTGAGGAGTCCACAAAATCTTCA[A>G]AAATAGGGATACCTTCTCCTGCCGCAACTACTGTGATGCGGTACCCAATAATGGTGGAAG-3'
Protein context (NP_997647.2, residues 1302-1322): VVAAGEGIPI[Phe1312Ser]EDFVDSSVGY